The following is an entry in ClinVar:

NM_033118.4(MYLK2):c.1176C>T (p.Asp392=)

Gene: MYLK2 (myosin light chain kinase 2; plus strand). Cytogenetic location: 20q11.21.
Variant type: single nucleotide variant.
Coding change: c.1176C>T on transcript NM_033118.4 (MANE Select); coding-DNA position 1176, C replaced by T.
Protein change: p.Asp392=; no amino-acid change (aspartic acid 392 retained).
Molecular consequence: synonymous variant.
Genome position (GRCh38, 1-based): chr20:31,826,890, C>T. VCF-style: chr20-31826890-C-T. GRCh37 (hg19) VCF-style: chr20-30414693-C-T.
Identifiers: ClinVar variation 164506 (VCV000164506.24), dbSNP rs147099889, ClinGen allele CA177205.

ClinVar aggregate classification (germline): Benign/Likely benign. Review status: criteria provided, multiple submitters, no conflicts (2 of 4 stars). 8 submissions from 8 submitters: Benign (2); Likely benign (5). 1 of the submissions does not count toward it. Last evaluated 2026-03-27.

Conditions:
MYLK2-related disorder. Also called: MYLK2-related condition.
Cardiomyopathy (CMYO). Also called: Cardiomyopathies. Identifiers: Orphanet 167848, MedGen C0878544, MONDO:0004994, HP:0001638. Inheritance: Various modes of inheritance.
Hypertrophic cardiomyopathy 1 (CMH1). Also called: MYH7-Related Familial Hypertrophic Cardiomyopathy; Familial hypertrophic cardiomyopathy 1. Identifiers: MedGen C3495498, MONDO:0008647, OMIM 192600.

Allele frequency attached by ClinVar (database versions not stated): gnomAD exomes 0.00006 and 0.00010; ExAC 0.00007; 1000 Genomes Project 0.00020; ESP Exome Variant Server 0.00023; gnomAD 0.00027 and 0.00031; 1000 Genomes Project 30x 0.00031; TOPMed 0.00039.

Submissions (8):

Women's Health and Genetics/Laboratory Corporation of America, LabCorp
Classification: Benign. Last evaluated: 2026-03-27. Review status: criteria provided, single submitter. Criteria: LabCorp Variant Classification Summary - May 2015. Collection method: clinical testing. Allele origin: germline.

Labcorp Genetics (formerly Invitae), Labcorp
Classification: Likely benign for Hypertrophic cardiomyopathy 1. Last evaluated: 2025-12-31. Review status: criteria provided, single submitter. Criteria: Invitae Variant Classification Sherloc (09022015). Collection method: clinical testing. Allele origin: germline.

Ambry Genetics
Classification: Likely benign. Last evaluated: 2022-03-03. Review status: criteria provided, single submitter. Criteria: Ambry Variant Classification Scheme 2023. Collection method: clinical testing. Allele origin: germline.

GeneDx
Classification: Likely benign. Last evaluated: 2021-05-10. Review status: criteria provided, single submitter. Criteria: GeneDx Variant Classification Process June 2021. Collection method: clinical testing. Allele origin: germline. Affected: yes.

CHEO Genetics Diagnostic Laboratory, Children's Hospital of Eastern Ontario
Classification: Benign for Cardiomyopathy. Last evaluated: 2017-12-01. Review status: criteria provided, single submitter. Criteria: ACMG Guidelines, 2015. Collection method: clinical testing. Allele origin: germline.

Laboratory for Molecular Medicine, Mass General Brigham Personalized Medicine
Classification: Likely benign. Last evaluated: 2014-07-01. Review status: criteria provided, single submitter. Criteria: LMM Criteria. Collection method: clinical testing. Allele origin: germline. Observed: 1 variant allele.
Comment: Asp392Asp in exon 8 of MYLK2: This variant is not expected to have clinical sign ificance because it does not alter an amino acid residue and is not located with in the splice consensus sequence. It has been identified in 3/4406 African Ameri can chromosomes by the NHLBI Exome Sequencing Project (. edu/EVS/; dbSNP rs147099889).

Breakthrough Genomics
Classification: Likely benign. Review status: criteria provided, single submitter. Criteria: ACMG Guidelines, 2015. Collection method: not provided. Allele origin: germline. Inheritance: Autosomal dominant inheritance. Affected: yes.

PreventionGenetics, part of Exact Sciences
Classification: Likely benign for MYLK2-related condition. Last evaluated: 2021-11-14. Review status: no assertion criteria provided. Collection method: clinical testing. Allele origin: germline. Not counted in ClinVar's aggregate classification.
Comment: This variant is classified as likely benign based on ACMG/AMP sequence variant interpretation guidelines (Richards et al. 2015 PMID: 25741868, with internal and published modifications).